The following is an entry in ClinVar:

ClinVar aggregate classification (germline): Conflicting classifications of pathogenicity. Review status: criteria provided, conflicting classifications (1 of 4 stars). 3 submissions from 3 submitters: Likely pathogenic (2); Uncertain significance (1). Last evaluated 2025-12-17.

Conditions:
Deficiency of alpha-mannosidase (MANSA). Also called: LYSOSOMAL ALPHA-D-MANNOSIDASE DEFICIENCY; Alpha-Mannosidosis; Mannosidosis, alpha-, types I and II. Identifiers: Orphanet 61, MedGen C0024748, MONDO:0009561, OMIM 248500.

Submissions (3):

Women's Health and Genetics/Laboratory Corporation of America, LabCorp
Classification: Likely pathogenic for Deficiency of alpha-mannosidase. Last evaluated: 2025-12-17. Review status: criteria provided, single submitter. Criteria: LabCorp Variant Classification Summary - May 2015. Collection method: clinical testing. Allele origin: germline.
Comment: Variant summary: MAN2B1 c.2176G>A (p.Gly726Arg) results in a non-conservative amino acid change in the encoded protein sequence. Algorithms developed to predict the effect of missense changes on protein structure and function all suggest that this variant is likely to be disruptive. The variant was absent in 251492 control chromosomes. c.2176G>A has been observed in trans along with a pathogenic exonic deletion in one individual affected with Alpha-Mannosidosis (Uguen_2024). These report(s) do not provide unequivocal conclusions about association of the variant with Alpha-Mannosidosis. At least one publication reports experimental evidence evaluating an impact on protein function. The most pronounced variant effect results in absence of alpha-mannosidase activity in the patient's lymphocytes (Uguen_2024). The following publication has been ascertained in the context of this evaluation (PMID: 38192009). ClinVar contains an entry for this variant (Variation ID: 1800636). Based on the evidence outlined above, the variant was classified as likely pathogenic.

GeneDx
Classification: Uncertain significance. Last evaluated: 2022-05-19. Review status: criteria provided, single submitter. Criteria: GeneDx Variant Classification Process June 2021. Collection method: clinical testing. Allele origin: germline. Affected: yes.
Comment: Not observed at significant frequency in large population cohorts (gnomAD); In silico analysis supports that this missense variant has a deleterious effect on protein structure/function; Has not been previously published as pathogenic or benign to our knowledge

Molecular Genetics Lab, CHRU Brest
Classification: Likely pathogenic for Deficiency of alpha-mannosidase. Review status: criteria provided, single submitter. Criteria: ACMG Guidelines, 2015. Collection method: clinical testing. Allele origin: paternal. Affected: yes.

Literature cited by the submitters: PubMed 38192009 (cited by Women's Health and Genetics/Laboratory Corporation of America, LabCorp).

NM_000528.4(MAN2B1):c.2176G>A (p.Gly726Arg)

Gene: MAN2B1 (mannosidase alpha class 2B member 1; minus strand). Cytogenetic location: 19p13.13.
Variant type: single nucleotide variant.
Coding change: c.2176G>A on transcript NM_000528.4 (MANE Select); coding-DNA position 2176, G replaced by A.
Protein change: p.Gly726Arg; replaces glycine 726 with arginine.
Molecular consequence: missense variant.
Genome position (GRCh38, 1-based): chr19:12,650,004, C>T on the plus strand (G>A on the coding strand, the complement: MAN2B1 is on the minus strand). VCF-style: chr19-12650004-C-T. GRCh37 (hg19) VCF-style: chr19-12760818-C-T.
Other names: c.2173G>A, p.Gly725Arg (NM_001173498.2); short protein forms G725R, G726R.
Identifiers: ClinVar variation 1800636 (VCV001800636.3), dbSNP rs2512489692, ClinGen allele CA404242947.